The following is an entry in ClinVar:

ClinVar aggregate classification (germline): Likely benign. Review status: criteria provided, multiple submitters, no conflicts (2 of 4 stars). 2 submissions from 2 submitters: Likely benign (2). Last evaluated 2021-11-25.

Allele frequency attached by ClinVar (database versions not stated): gnomAD exomes 0.00138; gnomAD 0.01180 and 0.01273; 1000 Genomes Project 0.01358; TOPMed 0.01400; 1000 Genomes Project 30x 0.01499.
gnomAD v4.1: 2,706 of 785,936 alleles (0.34%); highest among the groups gnomAD compares: African/African-American, 4%; 45 homozygotes.

Submissions (2):

GeneDx
Classification: Likely benign. Last evaluated: 2021-11-25. Review status: criteria provided, single submitter. Criteria: GeneDx Variant Classification Process June 2021. Collection method: clinical testing. Allele origin: germline. Affected: yes.
Comment: See Variant Classification Assertion Criteria.

Breakthrough Genomics
Classification: Likely benign. Review status: criteria provided, single submitter. Criteria: ACMG Guidelines, 2015. Collection method: not provided. Allele origin: germline. Inheritance: Autosomal recessive inheritance. Affected: yes.

NM_006279.5(ST3GAL3):c.398-153C>A

Gene: ST3GAL3 (ST3 beta-galactoside alpha-2,3-sialyltransferase 3; plus strand). Cytogenetic location: 1p34.1.
Variant type: single nucleotide variant.
Coding change: c.398-153C>A on transcript NM_006279.5 (MANE Select); 153 bases into the intron before coding-DNA position 398, C replaced by A.
Molecular consequence: intron variant.
Genome position (GRCh38, 1-based): chr1:43,898,082, C>A. VCF-style: chr1-43898082-C-A. GRCh37 (hg19) VCF-style: chr1-44363754-C-A.
Other names: c.605-153C>A (NM_174963.5); c.443-153C>A (NM_174964.4, NM_001350619.2); c.442+3605C>A (NM_174965.4); c.395-153C>A (NM_001270465.3, NM_001270463.3); c.560-153C>A (NM_174968.5, NM_001363573.2); c.119-153C>A (NM_001350621.2); c.398-153C>A (NM_001350620.2, NM_001270459.2, NM_174966.4); c.397+3605C>A (NM_174967.4); and 6 more.
Identifiers: ClinVar variation 1687684 (VCV001687684.3), dbSNP rs76395914, ClinGen allele CA21598182.
Genomic context (GRCh38, chr1:43,898,082, plus strand): 5'-GGCAGTGATATGCCTGTCTGTTTCCTGCCATCACCTCCTTTCTCAGGAAGAAAGTCAGGG[C>A]AGTGGCCCAATACATCCTTGTGTCCAGAGCTCTCTCCACTTCCACTTTCACTCTAGCCCC-3'